The following is an entry in ClinVar:

NM_001009944.3(PKD1):c.12592_12608dup (p.Arg4203_Leu4204insAlaTer)

Gene: PKD1 (polycystin 1, transient receptor potential channel interacting; minus strand). Cytogenetic location: 16p13.3.
Variant type: Duplication.
Coding change: c.12592_12608dup on transcript NM_001009944.3 (MANE Select); coding-DNA positions 12592 to 12608, 17 bases duplicated (AGCGTGAGCCTGGGCCG).
Protein change: p.Arg4203_Leu4204insAlaTer.
Molecular consequence: nonsense.
Genome position (GRCh38, 1-based): chr16:2,090,031-2,090,047, CGGCCCAGGCTCACGCT duplicated on the plus strand (AGCGTGAGCCTGGGCCG on the coding strand, the reverse complement: PKD1 is on the minus strand); duplicating any 17 consecutive bases within chr16:2,090,031-2,090,048 gives the same sequence; the c. name uses the placement nearest the transcript's 3' end. VCF-style (leftmost placement, unchanged base first): chr16-2090030-C-CCGGCCCAGGCTCACGCT. GRCh37 (hg19) VCF-style: chr16-2140031-C-CCGGCCCAGGCTCACGCT.
Other names: c.12592_12608dup17 (NM_001009944.3); c.12589_12605dup, p.Arg4202_Leu4203insAlaTer (NM_000296.4).
Identifiers: ClinVar variation 3907163 (VCV003907163.1).
Genomic context (GRCh38, chr16:2,090,030, plus strand): 5'-GAGCAGGGCCTCGAACACGGCTTGGAGGCGGGAGGGCTCAGGCTCACACCTTGTCCCCAG[C>CCGGCCCAGGCTCACGCT]CGGCCCAGGCTCACGCTCAGCCCATCCAGCTGGCTGGAGGAGGTGGAGGGGTGCGAGGCA-3'

ClinVar aggregate classification (germline): Pathogenic (1 of 4 stars; one submission).

Conditions:
Polycystic kidney disease, adult type (PKD1). Also called: Polycystic Kidney Disease 1, Autosomal Dominant; Polycystic kidney disease 1; Polycystic kidney disease 1, severe; Polycystic Kidney, Autosomal Dominant; POLYCYSTIC KIDNEY DISEASE 1 WITH OR WITHOUT POLYCYSTIC LIVER DISEASE; POLYCYSTIC KIDNEY DISEASE, ADULT, TYPE I. Identifiers: MedGen C3149841, MONDO:0008263, OMIM 173900.

Submission:

Women's Health and Genetics/Laboratory Corporation of America, LabCorp
Classification: Pathogenic for Polycystic kidney disease, adult type. Last evaluated: 2025-06-12. Review status: criteria provided, single submitter. Criteria: LabCorp Variant Classification Summary - May 2015. Collection method: clinical testing. Allele origin: germline.
Comment: Variant summary: PKD1 c.12592_12608dup17 (p.Leu4204AlafsX2) results in a premature termination codon, predicted to cause a truncation of the encoded protein, although nonsense mediated decay is not predicted, pathogenic variants have been observed downstream. The variant was absent in 241818 control chromosomes. c.12592_12608dup17 in individuals affected with Polycystic Kidney Disease 1 and no experimental evidence demonstrating its impact on protein function have been reported. No submitters have cited clinical-significance assessments for this variant to ClinVar. Based on the evidence outlined above, the variant was classified as pathogenic.